The following is an entry in ClinVar:

ClinVar aggregate classification (germline): Likely benign. Review status: criteria provided, multiple submitters, no conflicts (2 of 4 stars). 3 submissions from 3 submitters: Likely benign (3). Last evaluated 2025-05-15.

Conditions:
Tuberous sclerosis 2 (TSC2). Identifiers: Orphanet 805, MedGen C1860707, MONDO:0013199, OMIM 613254.

gnomAD v4.1: 5 of 1,613,296 alleles (0.00031%); highest among the groups gnomAD compares: Middle Eastern, 0.016%; no homozygotes.

Submissions (3):

Myriad Genetics, Inc.
Classification: Likely benign for Tuberous sclerosis 2. Last evaluated: 2025-05-15. Review status: criteria provided, single submitter. Criteria: Myriad Autosomal Dominant, Autosomal Recessive and X-Linked Classification Criteria (2023). Collection method: clinical testing. Allele origin: unknown.
Comment: This variant is considered likely benign. This variant is intronic and is not expected to impact mRNA splicing.

Labcorp Genetics (formerly Invitae), Labcorp
Classification: Likely benign for Tuberous sclerosis 2. Last evaluated: 2023-05-27. Review status: criteria provided, single submitter. Criteria: Invitae Variant Classification Sherloc (09022015). Collection method: clinical testing. Allele origin: germline.

Blueprint Genetics
Classification: Likely benign. Last evaluated: 2023-05-05. Review status: criteria provided, single submitter. Criteria: ACMG Guidelines, 2015. Collection method: clinical testing. Allele origin: germline.

NM_000548.5(TSC2):c.1717-12C>T

Gene: TSC2 (TSC complex subunit 2; plus strand). Cytogenetic location: 16p13.3.
Variant type: single nucleotide variant.
Coding change: c.1717-12C>T on transcript NM_000548.5 (MANE Select); 12 bases into the intron before coding-DNA position 1717, C replaced by T.
Molecular consequence: intron variant.
Genome position (GRCh38, 1-based): chr16:2,070,444, C>T. VCF-style: chr16-2070444-C-T. GRCh37 (hg19) VCF-style: chr16-2120445-C-T.
Other names: c.1717-12C>T (NM_001114382.3, NM_021055.3, NM_001370405.1 and 3 more transcripts); c.1606-12C>T (NM_001318827.2); c.1117-12C>T (NM_001318831.2); c.1570-12C>T (NM_001318829.2); c.1750-12C>T (NM_001318832.2).
Identifiers: ClinVar variation 2098045 (VCV002098045.6), dbSNP rs2151277263, ClinGen allele CA2580090550.